The following is an entry in ClinVar:

ClinVar aggregate classification (germline): Uncertain significance. Review status: criteria provided, multiple submitters, no conflicts (2 of 4 stars). 4 submissions from 4 submitters: Uncertain significance (4). Last evaluated 2025-12-01.

Conditions:
Inflammatory bowel disease, immunodeficiency, and encephalopathy. Identifiers: Orphanet 565788, MedGen C4748708, MONDO:0032601, OMIM 618213.

Allele frequency attached by ClinVar (database versions not stated): gnomAD 0.00005 and 0.00006; gnomAD exomes 0.00005 and 0.00007; TOPMed 0.00005; ExAC 0.00008; ESP Exome Variant Server 0.00008.

Submissions (4):

Labcorp Genetics (formerly Invitae), Labcorp
Classification: Uncertain significance. Last evaluated: 2025-12-01. Review status: criteria provided, single submitter. Criteria: Invitae Variant Classification Sherloc (09022015). Collection method: clinical testing. Allele origin: germline.
Comment: This sequence change replaces methionine, which is neutral and non-polar, with isoleucine, which is neutral and non-polar, at codon 133 of the TGFB1 protein (p.Met133Ile). This variant is present in population databases (rs201567874, gnomAD 0.01%). This variant has not been reported in the literature in individuals affected with TGFB1-related conditions. ClinVar contains an entry for this variant (Variation ID: 1325512). Invitae Evidence Modeling of protein sequence and biophysical properties (such as structural, functional, and spatial information, amino acid conservation, physicochemical variation, residue mobility, and thermodynamic stability) indicates that this missense variant is not expected to disrupt TGFB1 protein function with a negative predictive value of 80%. In summary, the available evidence is currently insufficient to determine the role of this variant in disease. Therefore, it has been classified as a Variant of Uncertain Significance.

Blueprint Genetics
Classification: Uncertain significance. Last evaluated: 2024-11-22. Review status: criteria provided, single submitter. Criteria: ACMG Guidelines, 2015. Collection method: clinical testing. Allele origin: germline.

New York Genome Center
Classification: Uncertain significance for Inflammatory bowel disease, immunodeficiency, and encephalopathy. Last evaluated: 2020-04-26. Review status: criteria provided, single submitter. Criteria: NYGC Assertion Criteria 2020. Collection method: clinical testing. Allele origin: germline. Observed: 1 heterozygote. Study: CSER-NYCKidSeq.

Breakthrough Genomics
Classification: Uncertain significance. Review status: criteria provided, single submitter. Criteria: ACMG Guidelines, 2015. Collection method: not provided. Allele origin: germline. Inheritance: Autosomal dominant inheritance. Affected: yes.

NM_000660.7(TGFB1):c.399G>A (p.Met133Ile)

Gene: TGFB1 (transforming growth factor beta 1; minus strand). Cytogenetic location: 19q13.2.
Variant type: single nucleotide variant.
Coding change: c.399G>A on transcript NM_000660.7 (MANE Select); coding-DNA position 399, G replaced by A.
Protein change: p.Met133Ile; replaces methionine 133 with isoleucine.
Molecular consequence: missense variant.
Genome position (GRCh38, 1-based): chr19:41,348,412, C>T on the plus strand (G>A on the coding strand, the complement: TGFB1 is on the minus strand). VCF-style: chr19-41348412-C-T. GRCh37 (hg19) VCF-style: chr19-41854317-C-T.
Other names: short protein forms M133I.
Identifiers: ClinVar variation 1325512 (VCV001325512.10), dbSNP rs201567874, ClinGen allele CA9460102.